The following is an entry in ClinVar:

ClinVar aggregate classification (germline): Uncertain significance. Review status: criteria provided, multiple submitters, no conflicts (2 of 4 stars). 2 submissions from 2 submitters: Uncertain significance (2). Last evaluated 2026-01-08.

Conditions:
Hereditary cancer-predisposing syndrome. Also called: Hereditary Cancer Syndrome; Tumor predisposition; Neoplastic Syndromes, Hereditary; Hereditary neoplastic syndrome. Identifiers: Orphanet 140162, MedGen C0027672, MeSH D009386, MONDO:0015356.

Submissions (2):

Ambry Genetics
Classification: Uncertain significance for Hereditary cancer-predisposing syndrome. Last evaluated: 2026-01-08. Review status: criteria provided, single submitter. Criteria: Ambry Variant Classification Scheme 2023. Collection method: clinical testing. Allele origin: germline.
Comment: The p.V437L variant (also known as c.1309G>C), located in coding exon 13 of the POLE gene, results from a G to C substitution at nucleotide position 1309. The valine at codon 437 is replaced by leucine, an amino acid with highly similar properties. This amino acid position is highly conserved in available vertebrate species. In addition, the in silico prediction for this alteration is inconclusive. Based on the available evidence, the clinical significance of this variant remains unclear.

Labcorp Genetics (formerly Invitae), Labcorp
Classification: Uncertain significance. Last evaluated: 2019-02-11. Review status: criteria provided, single submitter. Criteria: Invitae Variant Classification Sherloc (09022015). Collection method: clinical testing. Allele origin: germline.
Comment: This sequence change replaces valine with leucine at codon 437 of the POLE protein (p.Val437Leu). The valine residue is highly conserved and there is a small physicochemical difference between valine and leucine. This variant is not present in population databases (ExAC no frequency). This variant has not been reported in the literature in individuals with POLE-related conditions. Algorithms developed to predict the effect of missense changes on protein structure and function are either unavailable or do not agree on the potential impact of this missense change (SIFT: "Deleterious"; PolyPhen-2: "Possibly Damaging"; Align-GVGD: "Class C0"). In summary, the available evidence is currently insufficient to determine the role of this variant in disease. Therefore, it has been classified as a Variant of Uncertain Significance.

NM_006231.4(POLE):c.1309G>C (p.Val437Leu)

Gene: POLE (DNA polymerase epsilon, catalytic subunit; minus strand). Cytogenetic location: 12q24.33.
Variant type: single nucleotide variant.
Coding change: c.1309G>C on transcript NM_006231.4 (MANE Select); coding-DNA position 1309, G replaced by C.
Protein change: p.Val437Leu; replaces valine 437 with leucine.
Molecular consequence: missense variant.
Genome position (GRCh38, 1-based): chr12:132,673,625, C>G on the plus strand (G>C on the coding strand, the complement: POLE is on the minus strand). VCF-style: chr12-132673625-C-G. GRCh37 (hg19) VCF-style: chr12-133250211-C-G.
Other names: short protein forms V437L.
Identifiers: ClinVar variation 847595 (VCV000847595.14), dbSNP rs115047349, ClinGen allele CA387359352.